The following is an entry in ClinVar:

NM_004984.4(KIF5A):c.898A>G (p.Met300Val)

Gene: KIF5A (kinesin family member 5A; plus strand). Cytogenetic location: 12q13.3.
Variant type: single nucleotide variant.
Coding change: c.898A>G on transcript NM_004984.4 (MANE Select); coding-DNA position 898, A replaced by G.
Protein change: p.Met300Val; replaces methionine 300 with valine.
Molecular consequence: missense variant.
Genome position (GRCh38, 1-based): chr12:57,569,334, A>G. VCF-style: chr12-57569334-A-G. GRCh37 (hg19) VCF-style: chr12-57963117-A-G.
Other names: c.631A>G, p.Met211Val (NM_001354705.2); short protein forms M211V, M300V.
Identifiers: ClinVar variation 5040839 (VCV005040839.1).

ClinVar aggregate classification (germline): Uncertain significance (1 of 4 stars; one submission).

Submission:

CeGaT Center for Human Genetics Tuebingen
Classification: Uncertain significance. Last evaluated: 2026-09-01. Review status: criteria provided, single submitter. Criteria: CeGaT Center For Human Genetics Tuebingen Variant Classification Criteria Version 2. Collection method: clinical testing. Allele origin: germline. Affected: yes. Observed: 1 variant allele.
Comment: KIF5A: PM2, PP2